The following is an entry in ClinVar:

NM_002317.7(LOX):c.472C>A (p.Arg158=)

Genes: LOX (lysyl oxidase; minus strand), SRFBP1 (serum response factor binding protein 1; plus strand). Cytogenetic location: 5q23.1.
Variant type: single nucleotide variant.
Coding change: c.472C>A on transcript NM_002317.7 (MANE Select); coding-DNA position 472, C replaced by A.
Protein change: p.Arg158=; no amino-acid change (arginine 158 retained).
Molecular consequence: synonymous variant.
Genome position (GRCh38, 1-based): chr5:122,077,514, G>T on the plus strand (C>A on the coding strand, the complement: LOX is on the minus strand). VCF-style: chr5-122077514-G-T. GRCh37 (hg19) VCF-style: chr5-121413209-G-T.
Other names: c.472C>A (NM_002317.6).
Identifiers: ClinVar variation 1570227 (VCV001570227.12), dbSNP rs770854063, ClinGen allele CA3384026.
Genomic context (GRCh38, chr5:122,077,514, plus strand): 5'-AGTACTTGTAGGGGTTGTAAGGGTCGTCGCCCACCATGCCGTCCACGCGGCTGGGCGGCC[G>T]CAGGTTACTGAGCGCAGGAACTTCTCCCGGCGCTGTCTGGTTCTCCGCGCGCGAGGCGCC-3'
Protein context (NP_002308.2, residues 148-168): PGEVPALSNL[Arg158=]PPSRVDGMVG

ClinVar aggregate classification (germline): Likely benign. Review status: criteria provided, multiple submitters, no conflicts (2 of 4 stars). 3 submissions from 3 submitters: Likely benign (2). 1 of the submissions does not count toward it. Last evaluated 2025-11-18.

Conditions:
LOX-related disorder. Also called: LOX-related disorders; LOX-related condition.
Cardiovascular phenotype. Identifiers: MedGen CN230736.

Allele frequency attached by ClinVar (database versions not stated): gnomAD 0.00002; ExAC 0.00003; TOPMed 0.00004.
gnomAD v4.1: 26 of 1,613,712 alleles (0.0016%); highest among the groups gnomAD compares: Admixed American, 0.042%; no homozygotes.

Submissions (3):

Labcorp Genetics (formerly Invitae), Labcorp
Classification: Likely benign. Last evaluated: 2025-11-18. Review status: criteria provided, single submitter. Criteria: Invitae Variant Classification Sherloc (09022015). Collection method: clinical testing. Allele origin: germline.

Ambry Genetics
Classification: Likely benign for Cardiovascular phenotype. Last evaluated: 2019-11-17. Review status: criteria provided, single submitter. Criteria: Ambry Variant Classification Scheme 2023. Collection method: clinical testing. Allele origin: germline.

PreventionGenetics, part of Exact Sciences
Classification: Likely benign for LOX-related condition. Last evaluated: 2020-09-30. Review status: no assertion criteria provided. Collection method: clinical testing. Allele origin: germline. Not counted in ClinVar's aggregate classification.
Comment: This variant is classified as likely benign based on ACMG/AMP sequence variant interpretation guidelines (Richards et al. 2015 PMID: 25741868, with internal and published modifications).